The following is an entry in ClinVar:

ClinVar aggregate classification (germline): Likely benign. Review status: criteria provided, multiple submitters, no conflicts (2 of 4 stars). 3 submissions from 3 submitters: Likely benign (3). Last evaluated 2025-10-09.

Allele frequency attached by ClinVar (database versions not stated): ExAC 0.00002; gnomAD 0.00006; gnomAD exomes 0.00006; TOPMed 0.00006; ESP Exome Variant Server 0.00008.
gnomAD v4.1: 100 of 1,613,440 alleles (0.0062%); highest among the groups gnomAD compares: Middle Eastern, 0.016%; no homozygotes.

Submissions (4):

Labcorp Genetics (formerly Invitae), Labcorp
Classification: Likely benign. Last evaluated: 2025-10-09. Review status: criteria provided, single submitter. Criteria: Invitae Variant Classification Sherloc (09022015). Collection method: clinical testing. Allele origin: germline.

CeGaT Center for Human Genetics Tuebingen
Classification: Likely benign. Last evaluated: 2025-09-01. Review status: criteria provided, single submitter. Criteria: CeGaT Center For Human Genetics Tuebingen Variant Classification Criteria Version 2. Collection method: clinical testing. Allele origin: germline. Affected: yes. Observed: 1 variant allele.
Comment: CLCN7: BP4, BP7

Blueprint Genetics
Classification: Likely benign. Last evaluated: 2023-01-10. Review status: criteria provided, single submitter. Criteria: ACMG Guidelines, 2015. Collection method: clinical testing. Allele origin: germline.

Dr. Peter K. Rogan Lab, Western University
No classification provided (evidence only). Condition: Glioma susceptibility 1. Review status: no classification provided. Collection method: in vitro. Allele origin: not applicable. Functional consequence: retained intron. Not counted in ClinVar's aggregate classification.

NM_001287.6(CLCN7):c.1146C>T (p.Gly382=)

Gene: CLCN7 (Cl-/H+ antiporter 7; minus strand). Cytogenetic location: 16p13.3.
Variant type: single nucleotide variant.
Coding change: c.1146C>T on transcript NM_001287.6 (MANE Select); coding-DNA position 1146, C replaced by T.
Protein change: p.Gly382=; no amino-acid change (glycine 382 retained).
Molecular consequence: synonymous variant.
Genome position (GRCh38, 1-based): chr16:1,454,418, G>A on the plus strand (C>T on the coding strand, the complement: CLCN7 is on the minus strand). VCF-style: chr16-1454418-G-A. GRCh37 (hg19) VCF-style: chr16-1504419-G-A.
Other names: c.1074C>T, p.Gly358= (NM_001114331.3).
Identifiers: ClinVar variation 2170459 (VCV002170459.13), dbSNP rs140154323, ClinGen allele CA7810426.